The following is an entry in ClinVar:

NM_032634.4(PIGO):c.1916A>G (p.His639Arg)

Gene: PIGO (phosphatidylinositol glycan anchor biosynthesis class O; minus strand). Cytogenetic location: 9p13.3.
Variant type: single nucleotide variant.
Coding change: c.1916A>G on transcript NM_032634.4 (MANE Select); coding-DNA position 1916, A replaced by G.
Protein change: p.His639Arg; replaces histidine 639 with arginine.
Molecular consequence: missense variant. On other transcripts: intron variant (2).
Genome position (GRCh38, 1-based): chr9:35,091,971, T>C on the plus strand (A>G on the coding strand, the complement: PIGO is on the minus strand). VCF-style: chr9-35091971-T-C. GRCh37 (hg19) VCF-style: chr9-35091968-T-C.
Other names: c.1344+572A>G (NM_152850.4, NM_001201484.2); short protein forms H639R.
Identifiers: ClinVar variation 1418839 (VCV001418839.6), dbSNP rs1829444705, ClinGen allele CA373321157.

ClinVar aggregate classification (germline): Uncertain significance (1 of 4 stars; one submission).

Conditions:
Hyperphosphatasia with impaired intellectual development syndrome 2. Also called: Hyperphosphatasia with intellectual disability syndrome 2; GLYCOSYLPHOSPHATIDYLINOSITOL BIOSYNTHESIS DEFECT 6. Identifiers: Orphanet 247262, MedGen C3553637, MONDO:0013882, OMIM 614749.

Allele frequency attached by ClinVar (database versions not stated): TOPMed below 0.00001; gnomAD 0.00001.
gnomAD v4.1: 1 of 1,614,020 alleles (0.000062%); highest among the groups gnomAD compares: Admixed American, 0.0017%; no homozygotes.

Submission:

Labcorp Genetics (formerly Invitae), Labcorp
Classification: Uncertain significance for Hyperphosphatasia with impaired intellectual development syndrome 2. Last evaluated: 2023-11-13. Review status: criteria provided, single submitter. Criteria: Invitae Variant Classification Sherloc (09022015). Collection method: clinical testing. Allele origin: germline.
Comment: This sequence change replaces histidine, which is basic and polar, with arginine, which is basic and polar, at codon 639 of the PIGO protein (p.His639Arg). This variant is not present in population databases (gnomAD no frequency). This variant has not been reported in the literature in individuals affected with PIGO-related conditions. ClinVar contains an entry for this variant (Variation ID: 1418839). An algorithm developed to predict the effect of missense changes on protein structure and function (PolyPhen-2) suggests that this variant is likely to be disruptive. In summary, the available evidence is currently insufficient to determine the role of this variant in disease. Therefore, it has been classified as a Variant of Uncertain Significance.